The following is an entry in ClinVar:

NM_001170700.3(DTHD1):c.1346C>G (p.Ser449Cys)

Gene: DTHD1 (death domain containing 1; plus strand). Cytogenetic location: 4p14.
Variant type: single nucleotide variant.
Coding change: c.1346C>G on transcript NM_001170700.3 (MANE Select); coding-DNA position 1346, C replaced by G.
Protein change: p.Ser449Cys; replaces serine 449 with cysteine.
Molecular consequence: missense variant. On other transcripts: non-coding transcript variant (2).
Genome position (GRCh38, 1-based): chr4:36,293,653, C>G. VCF-style: chr4-36293653-C-G. GRCh37 (hg19) VCF-style: chr4-36295275-C-G.
Other names: c.476C>G, p.Ser159Cys (NM_001136536.5); c.413C>G, p.Ser138Cys (NM_001378435.1); short protein forms S138C, S159C, S449C.
Identifiers: ClinVar variation 943356 (VCV000943356.10), dbSNP rs542623785, ClinGen allele CA2885630.
Genomic context (GRCh38, chr4:36,293,653, plus strand): 5'-AGTCGTTCACAGTAACAAAGAAAGGCCTCGCTCTTAAGTCAAGCATGGATTCCCGAATAT[C>G]CTTAAATTACCCTCCAGGAGTTTTTACCTCTCCAGTGCTGGTGCAGTTAAAGGTAAACAT-3'
Protein context (NP_001164171.2, residues 439-459): ALKSSMDSRI[Ser449Cys]LNYPPGVFTS

ClinVar aggregate classification (germline): Uncertain significance (1 of 4 stars; one submission).

Allele frequency attached by ClinVar (database versions not stated): TOPMed 0.00001; ExAC 0.00009; 1000 Genomes Project 0.00020; 1000 Genomes Project 30x 0.00031.
gnomAD v4.1: 32 of 1,542,810 alleles (0.0021%); highest among the groups gnomAD compares: South Asian, 0.018%; 1 homozygote.

Submission:

Labcorp Genetics (formerly Invitae), Labcorp
Classification: Uncertain significance. Last evaluated: 2025-08-09. Review status: criteria provided, single submitter. Criteria: Invitae Variant Classification Sherloc (09022015). Collection method: clinical testing. Allele origin: germline.
Comment: This sequence change replaces serine, which is neutral and polar, with cysteine, which is neutral and slightly polar, at codon 159 of the DTHD1 protein (p.Ser159Cys). This variant is present in population databases (rs542623785, gnomAD 0.01%). This variant has not been reported in the literature in individuals affected with DTHD1-related conditions. ClinVar contains an entry for this variant (Variation ID: 943356). An algorithm developed to predict the effect of missense changes on protein structure and function (PolyPhen-2) suggests that this variant is likely to be disruptive. In summary, the available evidence is currently insufficient to determine the role of this variant in disease. Therefore, it has been classified as a Variant of Uncertain Significance.